The following is an entry in ClinVar:

NM_001363711.2(DUOX2):c.1921G>A (p.Glu641Lys)

Gene: DUOX2 (dual oxidase 2; minus strand). Cytogenetic location: 15q21.1.
Variant type: single nucleotide variant.
Coding change: c.1921G>A on transcript NM_001363711.2 (MANE Select); coding-DNA position 1921, G replaced by A.
Protein change: p.Glu641Lys; replaces glutamic acid 641 with lysine.
Molecular consequence: missense variant.
Genome position (GRCh38, 1-based): chr15:45,106,552, C>T on the plus strand (G>A on the coding strand, the complement: DUOX2 is on the minus strand). VCF-style: chr15-45106552-C-T. GRCh37 (hg19) VCF-style: chr15-45398750-C-T.
Other names: p.Glu641Lys; c.1921G>A, p.Glu641Lys (NM_014080.5); short protein forms E641K.
Identifiers: ClinVar variation 418789 (VCV000418789.53), dbSNP rs139161034, ClinGen allele CA7538449.

ClinVar aggregate classification (germline): Conflicting classifications of pathogenicity. Review status: criteria provided, conflicting classifications (1 of 4 stars). 12 submissions from 12 submitters: Uncertain significance (2); Likely benign (8). 2 of the submissions do not count toward it. Last evaluated 2026-09-21.

Conditions:
DUOX2-related disorder. Also called: DUOX2-related condition.
Thyroid dyshormonogenesis 6 (TDH6). Also called: THYROID HORMONOGENESIS, GENETIC DEFECT IN, 6; Genetic transient congenital hypothyroidism; HYPOTHYROIDISM, CONGENITAL, DUE TO DYSHORMONOGENESIS, 6. Identifiers: Orphanet 226316, Orphanet 95716, MedGen C1846632, MONDO:0011792, OMIM 607200.

Allele frequency attached by ClinVar (database versions not stated): 1000 Genomes Project 30x 0.00109; 1000 Genomes Project 0.00120; ExAC 0.00292; TOPMed 0.00315; gnomAD exomes 0.00316; gnomAD 0.00334 and 0.00343; ESP Exome Variant Server 0.00408.
gnomAD v4.1: 8,284 of 1,614,180 alleles (0.51%); highest among the groups gnomAD compares: Non-Finnish European, 0.63%; 22 homozygotes.

Submissions (12):

PreventionGenetics, part of Exact Sciences
Classification: Likely benign for DUOX2-related condition. Last evaluated: 2026-09-21. Review status: criteria provided, single submitter. Criteria: ACMG Guidelines, 2015. Collection method: clinical testing. Allele origin: germline.
Comment: This variant is classified as likely benign based on ACMG/AMP sequence variant interpretation guidelines (Richards et al. 2015 PMID: 25741868, with internal and published modifications).

Women's Health and Genetics/Laboratory Corporation of America, LabCorp
Classification: Likely benign. Last evaluated: 2026-06-02. Review status: criteria provided, single submitter. Criteria: LabCorp Variant Classification Summary - May 2015. Collection method: clinical testing. Allele origin: germline.
Comment: Variant summary: DUOX2 c.1921G>A (p.Glu641Lys) results in a conservative amino acid change in the encoded protein sequence. Algorithms developed to predict the effect of missense changes on protein structure and function all suggest that this variant is likely to be tolerated. The variant allele was found at a frequency of 0.0032 in 251494 control chromosomes in the gnomAD database, including 2 homozygotes. The observed variant frequency exceeds the estimated maximal expected allele frequency for disease-causing variants in DUOX2. c.1921G>A has been reported in the literature in an individual affected with congenital hypothyroidism with a non-informative genotype and the authors classified the variant as benign (example: de Filippis_2017 and Gentilini_2022). These report(s) do not provide unequivocal conclusions about association of the variant with disease. To our knowledge, no experimental evidence demonstrating an impact on protein function has been reported. The following publications have been ascertained in the context of this evaluation (PMID: 36071330, 28444304). ClinVar contains an entry for this variant (Variation ID: 418789). Based on the evidence outlined above, the variant was classified as likely benign.

Labcorp Genetics (formerly Invitae), Labcorp
Classification: Likely benign. Last evaluated: 2026-02-02. Review status: criteria provided, single submitter. Criteria: Invitae Variant Classification Sherloc (09022015). Collection method: clinical testing. Allele origin: germline.

Mayo Clinic Laboratories, Mayo Clinic
Classification: Likely benign. Last evaluated: 2025-05-28. Review status: criteria provided, single submitter. Criteria: ACMG Guidelines, 2015. Collection method: clinical testing. Allele origin: germline. Observed: 1 variant allele.
Comment: BS1, BS2, BP4_moderate

Blueprint Genetics
Classification: Likely benign. Last evaluated: 2024-11-22. Review status: criteria provided, single submitter. Criteria: ACMG Guidelines, 2015. Collection method: clinical testing. Allele origin: germline.

CeGaT Center for Human Genetics Tuebingen
Classification: Likely benign. Last evaluated: 2023-11-01. Review status: criteria provided, single submitter. Criteria: CeGaT Center For Human Genetics Tuebingen Variant Classification Criteria Version 2. Collection method: clinical testing. Allele origin: germline. Affected: yes. Observed: 4 variant alleles.
Comment: DUOX2: BP4, BS2

GeneDx
Classification: Likely benign. Last evaluated: 2022-12-19. Review status: criteria provided, single submitter. Criteria: GeneDx Variant Classification Process June 2021. Collection method: clinical testing. Allele origin: germline. Affected: yes.
Comment: See Variant Classification Assertion Criteria.

Fulgent Genetics
Classification: Uncertain significance for Thyroid dyshormonogenesis 6. Last evaluated: 2018-10-31. Review status: criteria provided, single submitter. Criteria: ACMG Guidelines, 2015. Collection method: clinical testing. Allele origin: unknown.

Illumina Laboratory Services, Illumina
Classification: Uncertain significance for Thyroid dyshormonogenesis 6. Last evaluated: 2018-01-13. Review status: criteria provided, single submitter. Criteria: ICSL Variant Classification Criteria 13 December 2019. Collection method: clinical testing. Allele origin: germline.

Institute for Genomic Medicine (IGM) Clinical Laboratory, Nationwide Children's Hospital
Classification: Likely benign. Last evaluated: 2017-03-08. Review status: criteria provided, single submitter. Criteria: ACMG Guidelines, 2015. Collection method: clinical testing. Allele origin: germline.
Comment: BS2; BP4.

Clinical Genetics DNA and cytogenetics Diagnostics Lab, Erasmus MC, Erasmus Medical Center
Classification: Likely benign. Review status: no assertion criteria provided. Collection method: clinical testing. Allele origin: germline. Affected: yes. Study: VKGL Data-share Consensus. Not counted in ClinVar's aggregate classification.

Clinical Genetics, Academic Medical Center
Classification: Likely benign. Review status: no assertion criteria provided. Collection method: clinical testing. Allele origin: germline. Affected: yes. Study: VKGL Data-share Consensus. Not counted in ClinVar's aggregate classification.

Literature cited by the submitters: PubMed 28444304 (cited by Women's Health and Genetics/Laboratory Corporation of America, LabCorp and Mayo Clinic Laboratories, Mayo Clinic); PubMed 36071330 (cited by Women's Health and Genetics/Laboratory Corporation of America, LabCorp); PubMed 33651715 (cited by Mayo Clinic Laboratories, Mayo Clinic).